The following is an entry in ClinVar:

NM_025114.4(CEP290):c.6070T>C (p.Tyr2024His)

Gene: CEP290 (centrosomal protein 290; minus strand). Cytogenetic location: 12q21.32.
Variant type: single nucleotide variant.
Coding change: c.6070T>C on transcript NM_025114.4 (MANE Select); coding-DNA position 6070, T replaced by C.
Protein change: p.Tyr2024His; replaces tyrosine 2024 with histidine.
Molecular consequence: missense variant.
Genome position (GRCh38, 1-based): chr12:88,068,587, A>G on the plus strand (T>C on the coding strand, the complement: CEP290 is on the minus strand). VCF-style: chr12-88068587-A-G. GRCh37 (hg19) VCF-style: chr12-88462364-A-G.
Other names: short protein forms Y2024H.
Identifiers: ClinVar variation 860862 (VCV000860862.13), dbSNP rs745998591, ClinGen allele CA6711582.

ClinVar aggregate classification (germline): Uncertain significance. Review status: criteria provided, multiple submitters, no conflicts (2 of 4 stars). 6 submissions from 6 submitters: Uncertain significance (5). 1 of the submissions does not count toward it. Last evaluated 2026-04-28.

Conditions:
Nephronophthisis. Also called: Juvenile Nephronophthisis. Identifiers: Orphanet 655, MedGen C0687120, MONDO:0019005, HP:0000090.
Meckel-Gruber syndrome. Also called: GRUBER SYNDROME; DYSENCEPHALIA SPLANCHNOCYSTICA; Dysencephalia splachnocystica. Identifiers: Orphanet 564, MedGen C0265215, MONDO:0018921.
Joubert syndrome. Also called: Familial aplasia of the vermis; JOUBERT-BOLTSHAUSER SYNDROME. Identifiers: Orphanet 475, MedGen C5979921, MONDO:0018772.
Leber congenital amaurosis (LCA). Also called: Leber's amaurosis. Identifiers: Orphanet 65, MedGen C0339527, MeSH D057130, MONDO:0018998.
CEP290-related disorder. Also called: CEP290-related condition; CEP290-related disorders. Identifiers: MedGen CN239314.
Inborn genetic diseases. Identifiers: MedGen C0950123, MeSH D030342.

Allele frequency attached by ClinVar (database versions not stated): ExAC 0.00001; gnomAD exomes 0.00001; TOPMed 0.00001.
gnomAD v4.1: 4 of 1,590,000 alleles (0.00025%); highest among the groups gnomAD compares: Admixed American, 0.0036%; no homozygotes.

Submissions (6):

Ambry Genetics
Classification: Uncertain significance for Inborn genetic diseases. Last evaluated: 2026-04-28. Review status: criteria provided, single submitter. Criteria: Ambry Variant Classification Scheme 2023. Collection method: clinical testing. Allele origin: germline.

PreventionGenetics, part of Exact Sciences
Classification: Uncertain significance for CEP290-related condition. Last evaluated: 2026-04-28. Review status: criteria provided, single submitter. Criteria: ACMG Guidelines, 2015. Collection method: clinical testing. Allele origin: germline.
Comment: The CEP290 c.6070T>C variant is predicted to result in the amino acid substitution p.Tyr2024His. To our knowledge, this variant has not been reported in the literature. This variant is reported in 0.0034% of alleles in individuals of Latino descent in gnomAD. At this time, the clinical significance of this variant is uncertain due to the absence of conclusive functional and genetic evidence.

Labcorp Genetics (formerly Invitae), Labcorp
Classification: Uncertain significance for Joubert syndrome; Meckel-Gruber syndrome; Nephronophthisis. Last evaluated: 2024-05-26. Review status: criteria provided, single submitter. Criteria: Invitae Variant Classification Sherloc (09022015). Collection method: clinical testing. Allele origin: germline.
Comment: This sequence change replaces tyrosine, which is neutral and polar, with histidine, which is basic and polar, at codon 2024 of the CEP290 protein (p.Tyr2024His). The frequency data for this variant in the population databases is considered unreliable, as metrics indicate poor data quality at this position in the gnomAD database. This variant has not been reported in the literature in individuals affected with CEP290-related conditions. ClinVar contains an entry for this variant (Variation ID: 860862). Advanced modeling of protein sequence and biophysical properties (such as structural, functional, and spatial information, amino acid conservation, physicochemical variation, residue mobility, and thermodynamic stability) performed at Invitae indicates that this missense variant is expected to disrupt CEP290 protein function with a positive predictive value of 80%. In summary, the available evidence is currently insufficient to determine the role of this variant in disease. Therefore, it has been classified as a Variant of Uncertain Significance.

Blueprint Genetics
Classification: Uncertain significance. Last evaluated: 2023-09-25. Review status: criteria provided, single submitter. Criteria: ACMG Guidelines, 2015. Collection method: clinical testing. Allele origin: germline.

GeneDx
Classification: Uncertain significance. Last evaluated: 2022-03-27. Review status: criteria provided, single submitter. Criteria: GeneDx Variant Classification Process June 2021. Collection method: clinical testing. Allele origin: germline. Affected: yes.
Comment: Not observed at significant frequency in large population cohorts (gnomAD); In silico analysis supports that this missense variant does not alter protein structure/function; Has not been previously published as pathogenic or benign to our knowledge

Natera, Inc.
Classification: Uncertain significance for Leber congenital amaurosis. Last evaluated: 2020-09-16. Review status: no assertion criteria provided. Collection method: clinical testing. Allele origin: germline. Not counted in ClinVar's aggregate classification.